The following is an entry in ClinVar:

NM_001613.4(ACTA2):c.89G>A (p.Arg30Lys)

Gene: ACTA2 (actin alpha 2, smooth muscle; minus strand). Cytogenetic location: 10q23.31.
Variant type: single nucleotide variant.
Coding change: c.89G>A on transcript NM_001613.4 (MANE Select); coding-DNA position 89, G replaced by A.
Protein change: p.Arg30Lys; replaces arginine 30 with lysine.
Molecular consequence: missense variant.
Genome position (GRCh38, 1-based): chr10:88,948,842, C>T on the plus strand (G>A on the coding strand, the complement: ACTA2 is on the minus strand). VCF-style: chr10-88948842-C-T. GRCh37 (hg19) VCF-style: chr10-90708599-C-T.
Other names: c.89G>A, p.Arg30Lys (NM_001141945.3, NM_001320855.2, NM_001406462.1 and 7 more transcripts); short protein forms R30K.
Identifiers: ClinVar variation 3071908 (VCV003071908.1), dbSNP rs2494578139, ClinGen allele CA377513665.

ClinVar aggregate classification (germline): Uncertain significance (1 of 4 stars; one submission).

Conditions:
Familial thoracic aortic aneurysm and aortic dissection (TAAD). Also called: Thoracic aortic aneurysms and dissections. Identifiers: Orphanet 91387, MedGen C4707243, MONDO:0019625.

Submission:

All of Us Research Program, National Institutes of Health
Classification: Uncertain significance for Familial thoracic aortic aneurysm and aortic dissection. Last evaluated: 2023-06-26. Review status: criteria provided, single submitter. Criteria: ACMG Guidelines, 2015. Collection method: clinical testing. Allele origin: germline. Inheritance: Autosomal dominant inheritance. Observed: 1 variant allele, 1 heterozygote.
Comment: This missense variant replaces arginine with lysine at codon 30 of the ACTA2 protein. Computational prediction suggests that this variant may have deleterious impact on protein structure and function (internally defined REVEL score threshold >= 0.7, PMID: 27666373). To our knowledge, functional studies have not been reported for this variant. This variant has not been reported in individuals affected with ACTA2-related disorders in the literature. This variant has not been identified in the general population by the Genome Aggregation Database (gnomAD). The available evidence is insufficient to determine the role of this variant in disease conclusively. Therefore, this variant is classified as a Variant of Uncertain Significance.

This study involves interpretation of variants in research participants for the purpose of population health screening. Participant phenotype was not available at the time of variant classification. Additional details can be found in publication PMID: 35346344, PMCID: PMC8962531